The following is an entry in ClinVar:

NM_015215.4(CAMTA1):c.683C>T (p.Thr228Ile)

Gene: CAMTA1 (calmodulin binding transcription activator 1; plus strand). Cytogenetic location: 1p36.23.
Variant type: single nucleotide variant.
Coding change: c.683C>T on transcript NM_015215.4 (MANE Select); coding-DNA position 683, C replaced by T.
Protein change: p.Thr228Ile; replaces threonine 228 with isoleucine.
Molecular consequence: missense variant.
Genome position (GRCh38, 1-based): chr1:7,661,744, C>T. VCF-style: chr1-7661744-C-T. GRCh37 (hg19) VCF-style: chr1-7721804-C-T.
Other names: c.593C>T, p.Thr198Ile (NM_001349608.2, NM_001349612.2); c.683C>T, p.Thr228Ile (NM_001349609.2, NM_001349610.2, NM_001410737.1); c.611C>T, p.Thr204Ile (NM_001410738.1); short protein forms T198I, T204I, T228I.
Identifiers: ClinVar variation 3363375 (VCV003363375.1).
Genomic context (GRCh38, chr1:7,661,744, plus strand): 5'-CACCCACGGGCTCTGACAGCCCCCCTGCCTCTCTCTTCACAGTCCATGGCATCAAGTGGA[C>T]CTGCAGCAATGGGAACAGCAGCTCAGGCTTCTCGGTGGAACAGCTGGTGCAGCAGATCCT-3'
Protein context (NP_056030.1, residues 218-238): LKPMFHGIKW[Thr228Ile]CSNGNSSSGF

ClinVar aggregate classification (germline): Uncertain significance (1 of 4 stars; one submission).

gnomAD v4.1: 1 of 1,614,018 alleles (0.000062%); highest among the groups gnomAD compares: Non-Finnish European, 0.000085%; no homozygotes.

Submission:

GeneDx
Classification: Uncertain significance. Last evaluated: 2023-10-25. Review status: criteria provided, single submitter. Criteria: GeneDx Variant Classification Process June 2021. Collection method: clinical testing. Allele origin: germline. Affected: yes.
Comment: Not observed at significant frequency in large population cohorts (gnomAD); In silico analysis supports that this missense variant has a deleterious effect on protein structure/function; Has not been previously published as pathogenic or benign to our knowledge